The following is an entry in ClinVar:

NM_004260.4(RECQL4):c.3424G>A (p.Asp1142Asn)

Gene: RECQL4 (RecQ like helicase 4; minus strand). Cytogenetic location: 8q24.3.
Variant type: single nucleotide variant.
Coding change: c.3424G>A on transcript NM_004260.4 (MANE Select); coding-DNA position 3424, G replaced by A.
Protein change: p.Asp1142Asn; replaces aspartic acid 1142 with asparagine.
Molecular consequence: missense variant.
Genome position (GRCh38, 1-based): chr8:144,511,759, C>T on the plus strand (G>A on the coding strand, the complement: RECQL4 is on the minus strand). VCF-style: chr8-144511759-C-T. GRCh37 (hg19) VCF-style: chr8-145737142-C-T.
Other names: short protein forms D1142N.
Identifiers: ClinVar variation 406933 (VCV000406933.8), dbSNP rs61755067, ClinGen allele CA4947744.

ClinVar aggregate classification (germline): Uncertain significance (1 of 4 stars; one submission).

Conditions:
Baller-Gerold syndrome (BGS). Also called: CRANIOSYNOSTOSIS WITH RADIAL DEFECTS. Identifiers: Orphanet 1225, MedGen C0265308, MONDO:0009039, OMIM 218600.

Allele frequency attached by ClinVar (database versions not stated): TOPMed 0.00002.

Submission:

Labcorp Genetics (formerly Invitae), Labcorp
Classification: Uncertain significance for Baller-Gerold syndrome. Last evaluated: 2025-07-27. Review status: criteria provided, single submitter. Criteria: Invitae Variant Classification Sherloc (09022015). Collection method: clinical testing. Allele origin: germline.
Comment: This sequence change replaces aspartic acid, which is acidic and polar, with asparagine, which is neutral and polar, at codon 1142 of the RECQL4 protein (p.Asp1142Asn). This variant is present in population databases (rs61755067, gnomAD 0.03%). This variant has not been reported in the literature in individuals affected with RECQL4-related conditions. ClinVar contains an entry for this variant (Variation ID: 406933). Invitae Evidence Modeling of protein sequence and biophysical properties (such as structural, functional, and spatial information, amino acid conservation, physicochemical variation, residue mobility, and thermodynamic stability) indicates that this missense variant is not expected to disrupt RECQL4 protein function with a negative predictive value of 80%. In summary, the available evidence is currently insufficient to determine the role of this variant in disease. Therefore, it has been classified as a Variant of Uncertain Significance.